The following is an entry in ClinVar:

ClinVar aggregate classification (germline): Likely benign (1 of 4 stars; one submission).

Allele frequency attached by ClinVar (database versions not stated): 1000 Genomes Project 30x 0.00016; 1000 Genomes Project 0.00020; ESP Exome Variant Server 0.00042.
gnomAD v4.1: 624 of 1,586,656 alleles (0.039%); highest among the groups gnomAD compares: Non-Finnish European, 0.049%; 73 homozygotes.

Submission:

CeGaT Center for Human Genetics Tuebingen
Classification: Likely benign. Last evaluated: 2023-11-01. Review status: criteria provided, single submitter. Criteria: CeGaT Center For Human Genetics Tuebingen Variant Classification Criteria Version 2. Collection method: clinical testing. Allele origin: germline. Affected: yes. Observed: 1 variant allele.
Comment: AHNAK2: BP4, BS2

NM_138420.4(AHNAK2):c.5305G>T (p.Asp1769Tyr)

Gene: AHNAK2 (AHNAK nucleoprotein 2; minus strand). Cytogenetic location: 14q32.33.
Variant type: single nucleotide variant.
Coding change: c.5305G>T on transcript NM_138420.4 (MANE Select); coding-DNA position 5305, G replaced by T.
Protein change: p.Asp1769Tyr; replaces aspartic acid 1769 with tyrosine.
Molecular consequence: missense variant.
Genome position (GRCh38, 1-based): chr14:104,950,146, C>A on the plus strand (G>T on the coding strand, the complement: AHNAK2 is on the minus strand). VCF-style: chr14-104950146-C-A. GRCh37 (hg19) VCF-style: chr14-105416483-C-A.
Other names: c.5005G>T, p.Asp1669Tyr (NM_001350929.2); short protein forms D1669Y, D1769Y.
Identifiers: ClinVar variation 2672575 (VCV002672575.23), dbSNP rs191244201, ClinGen allele CA7381855.